The following is an entry in ClinVar:

NM_001127222.2(CACNA1A):c.4172C>T (p.Ala1391Val)

Genes: CACNA1A (calcium voltage-gated channel subunit alpha1 A; minus strand), LOC126862864 (MED14-independent group 3 enhancer GRCh37_chr19:13371552-13372751; plus strand). Cytogenetic location: 19p13.13.
Variant type: single nucleotide variant.
Coding change: c.4172C>T on transcript NM_001127222.2 (MANE Select); coding-DNA position 4172, C replaced by T.
Protein change: p.Ala1391Val; replaces alanine 1391 with valine.
Molecular consequence: missense variant.
Genome position (GRCh38, 1-based): chr19:13,261,528, G>A on the plus strand (C>T on the coding strand, the complement: CACNA1A is on the minus strand). VCF-style: chr19-13261528-G-A. GRCh37 (hg19) VCF-style: chr19-13372342-G-A.
Other names: c.4184C>T, p.Ala1395Val (NM_000068.4, NM_023035.3); c.4175C>T, p.Ala1392Val (NM_001127221.2, NM_001174080.2); short protein forms A1391V, A1395V, A1392V.
Identifiers: ClinVar variation 2951541 (VCV002951541.3), dbSNP rs2512759377, ClinGen allele CA404339702.

ClinVar aggregate classification (germline): Pathogenic (1 of 4 stars; one submission).

Conditions:
Episodic ataxia type 2 (EA2). Also called: CEREBELLAR ATAXIA, PAROXYSMAL, ACETAZOLAMIDE-RESPONSIVE; CEREBELLOPATHY, HEREDITARY PAROXYSMAL; EPISODIC ATAXIA, NYSTAGMUS-ASSOCIATED; ACETAZOLAMIDE-RESPONSIVE HEREDITARY PAROXYSMAL CEREBELLAR ATAXIA; ATAXIA, EPISODIC, WITH NYSTAGMUS; ATAXIA, FAMILIAL PAROXYSMAL. Identifiers: Orphanet 97, MedGen C1720416, MONDO:0007163, OMIM 108500.
Developmental and epileptic encephalopathy, 42 (DEE42A). Also called: Epileptic encephalopathy, early infantile, 42; DEVELOPMENTAL AND EPILEPTIC ENCEPHALOPATHY 42A; EPILEPTIC ENCEPHALOPATHY, EARLY INFANTILE, 42A. Identifiers: MedGen C4310716, MONDO:0014917, OMIM 617106.

Submission:

Labcorp Genetics (formerly Invitae), Labcorp
Classification: Pathogenic for Developmental and epileptic encephalopathy, 42; Episodic ataxia type 2. Last evaluated: 2023-10-27. Review status: criteria provided, single submitter. Criteria: Invitae Variant Classification Sherloc (09022015). Collection method: clinical testing. Allele origin: germline.
Comment: This sequence change replaces alanine, which is neutral and non-polar, with valine, which is neutral and non-polar, at codon 1392 of the CACNA1A protein (p.Ala1392Val). This variant is not present in population databases (gnomAD no frequency). This missense change has been observed in individual(s) with clinical features of CACNA1A-related conditions (Invitae). In at least one individual the variant was observed to be de novo. Advanced modeling of protein sequence and biophysical properties (such as structural, functional, and spatial information, amino acid conservation, physicochemical variation, residue mobility, and thermodynamic stability) performed at Invitae indicates that this missense variant is expected to disrupt CACNA1A protein function with a positive predictive value of 95%. For these reasons, this variant has been classified as Pathogenic.